The following is an entry in ClinVar:

ClinVar aggregate classification (germline): Uncertain significance. Review status: criteria provided, multiple submitters, no conflicts (2 of 4 stars). 2 submissions from 2 submitters: Uncertain significance (2). Last evaluated 2025-09-10.

Allele frequency attached by ClinVar (database versions not stated): gnomAD 0.00002; TOPMed 0.00002; ExAC 0.00003; gnomAD exomes 0.00003 and 0.00004.
gnomAD v4.1: 41 of 1,585,000 alleles (0.0026%); highest among the groups gnomAD compares: Middle Eastern, 0.017%; no homozygotes.

Submissions (2):

Ambry Genetics
Classification: Uncertain significance. Last evaluated: 2025-09-10. Review status: criteria provided, single submitter. Criteria: Ambry Variant Classification Scheme 2023. Collection method: clinical testing. Allele origin: germline.

Labcorp Genetics (formerly Invitae), Labcorp
Classification: Uncertain significance. Last evaluated: 2022-08-15. Review status: criteria provided, single submitter. Criteria: Invitae Variant Classification Sherloc (09022015). Collection method: clinical testing. Allele origin: germline.
Comment: ClinVar contains an entry for this variant (Variation ID: 1348812). Algorithms developed to predict the effect of missense changes on protein structure and function (SIFT, PolyPhen-2, Align-GVGD) all suggest that this variant is likely to be tolerated. In summary, the available evidence is currently insufficient to determine the role of this variant in disease. Therefore, it has been classified as a Variant of Uncertain Significance. This variant has not been reported in the literature in individuals affected with MCM4-related conditions. This sequence change replaces glutamine, which is neutral and polar, with proline, which is neutral and non-polar, at codon 822 of the MCM4 protein (p.Gln822Pro). This variant is present in population databases (rs767461218, gnomAD 0.009%).

NM_182746.3(MCM4):c.2465A>C (p.Gln822Pro)

Gene: MCM4 (minichromosome maintenance complex component 4; plus strand). Cytogenetic location: 8q11.21.
Variant type: single nucleotide variant.
Coding change: c.2465A>C on transcript NM_182746.3 (MANE Select); coding-DNA position 2465, A replaced by C.
Protein change: p.Gln822Pro; replaces glutamine 822 with proline.
Molecular consequence: missense variant.
Genome position (GRCh38, 1-based): chr8:47,975,814, A>C. VCF-style: chr8-47975814-A-C. GRCh37 (hg19) VCF-style: chr8-48888374-A-C.
Other names: c.2465A>C (NM_005914.3); c.2465A>C, p.Gln822Pro (NM_005914.4); short protein forms Q822P.
Identifiers: ClinVar variation 1348812 (VCV001348812.6), dbSNP rs767461218, ClinGen allele CA4742920.
Genomic context (GRCh38, chr8:47,975,814, plus strand): 5'-CTGAAGCATTGAAAAAGCTTATTTTATCTAAGGGCAAAACACCAGCTCTAAAATACCAGC[A>C]ACTTTTTGAAGATATTCGGGGACAATCTGACATAGTAAGTGTTTATATGTATTTTTTGTT-3'
Protein context (NP_877423.1, residues 812-832): KGKTPALKYQ[Gln822Pro]LFEDIRGQSD